The following is an entry in ClinVar:

NM_004055.5(CAPN5):c.469G>A (p.Glu157Lys)

Gene: CAPN5 (calpain 5; plus strand). Cytogenetic location: 11q13.5.
Variant type: single nucleotide variant.
Coding change: c.469G>A on transcript NM_004055.5 (MANE Select); coding-DNA position 469, G replaced by A.
Protein change: p.Glu157Lys; replaces glutamic acid 157 with lysine.
Molecular consequence: missense variant.
Genome position (GRCh38, 1-based): chr11:77,112,760, G>A. VCF-style: chr11-77112760-G-A. GRCh37 (hg19) VCF-style: chr11-76823806-G-A.
Other names: c.469G>A (NM_004055.4); short protein forms E157K.
Identifiers: ClinVar variation 1927685 (VCV001927685.7), dbSNP rs1443055982, ClinGen allele CA381937353.
Genomic context (GRCh38, chr11:77,112,760, plus strand): 5'-GATGACCGGCTGCCCACAGTCAACAACCAGCTCATCTACTGCCACTCCAACTCCCGCAAT[G>A]AGTTTTGGTGCGCCCTAGTGGAGAAGGCCTATGCCAAGTAGGTGCCAGCAGCAGGCAGGT-3'
Protein context (NP_004046.2, residues 147-167): LIYCHSNSRN[Glu157Lys]FWCALVEKAY

ClinVar aggregate classification (germline): Uncertain significance. Review status: criteria provided, multiple submitters, no conflicts (2 of 4 stars). 3 submissions from 3 submitters: Uncertain significance (3). Last evaluated 2025-12-29.

Conditions:
Inborn genetic diseases. Identifiers: MedGen C0950123, MeSH D030342.

Allele frequency attached by ClinVar (database versions not stated): gnomAD exomes below 0.00001; gnomAD 0.00001; TOPMed 0.00001.
gnomAD v4.1: 2 of 1,614,136 alleles (0.00012%); highest among the groups gnomAD compares: African/African-American, 0.0027%; no homozygotes.

Submissions (3):

Ambry Genetics
Classification: Uncertain significance for Inborn genetic diseases. Last evaluated: 2025-12-29. Review status: criteria provided, single submitter. Criteria: Ambry Variant Classification Scheme 2023. Collection method: clinical testing. Allele origin: germline.

Labcorp Genetics (formerly Invitae), Labcorp
Classification: Uncertain significance. Last evaluated: 2025-04-21. Review status: criteria provided, single submitter. Criteria: Invitae Variant Classification Sherloc (09022015). Collection method: clinical testing. Allele origin: germline.
Comment: This sequence change replaces glutamic acid, which is acidic and polar, with lysine, which is basic and polar, at codon 157 of the CAPN5 protein (p.Glu157Lys). This variant is not present in population databases (gnomAD no frequency). This variant has not been reported in the literature in individuals affected with CAPN5-related conditions. ClinVar contains an entry for this variant (Variation ID: 1927685). Invitae Evidence Modeling of protein sequence and biophysical properties (such as structural, functional, and spatial information, amino acid conservation, physicochemical variation, residue mobility, and thermodynamic stability) indicates that this missense variant is expected to disrupt CAPN5 protein function with a positive predictive value of 80%. In summary, the available evidence is currently insufficient to determine the role of this variant in disease. Therefore, it has been classified as a Variant of Uncertain Significance.

Blueprint Genetics
Classification: Uncertain significance. Last evaluated: 2018-06-06. Review status: criteria provided, single submitter. Criteria: ACMG Guidelines, 2015. Collection method: clinical testing. Allele origin: germline.